The following is an entry in ClinVar:

NM_201253.3(CRB1):c.3112_3113dup (p.Leu1039fs)

Gene: CRB1 (crumbs cell polarity complex component 1; plus strand). Cytogenetic location: 1q31.3.
Variant type: Duplication.
Coding change: c.3112_3113dup on transcript NM_201253.3 (MANE Select); coding-DNA positions 3112 to 3113, 2 bases duplicated (AC; older notation c.3112_3113dupAC).
Protein change: p.Leu1039fs; shifts the reading frame from leucine 1039.
Molecular consequence: frameshift variant. On other transcripts: non-coding transcript variant (2), intron variant (1).
Genome position (GRCh38, 1-based): chr1:197,434,975-197,434,976, AC duplicated. VCF-style (leftmost placement, unchanged base first): chr1-197434974-G-GAC. GRCh37 (hg19) VCF-style: chr1-197404104-G-GAC.
Other names: c.2776_2777dup, p.Leu927fs (NM_001193640.2); c.3040_3041dup, p.Leu1015fs (NM_001257965.2); c.2129-625_2129-624dup (NM_001257966.2); short protein forms L1039fs, L927fs, L1015fs.
Identifiers: ClinVar variation 2087414 (VCV002087414.4), dbSNP rs2528198657, ClinGen allele CA2580061934.

ClinVar aggregate classification (germline): Pathogenic (1 of 4 stars; one submission).

Conditions:
Leber congenital amaurosis 8 (LCA8). Identifiers: Orphanet 65, MedGen C3151202, MONDO:0013453, OMIM 613835.
Retinitis pigmentosa 12 (RP12). Also called: RP WITH OR WITHOUT PPRPE; RP WITH OR WITHOUT PRESERVED PARAARTERIOLE RETINAL PIGMENT EPITHELIUM; RETINITIS PIGMENTOSA WITH OR WITHOUT PARAARTERIOLAR PRESERVATION OF RETINAL PIGMENT EPITHELIUM. Identifiers: Orphanet 791, MedGen C1838647, MONDO:0010818, OMIM 600105.

Allele frequency attached by ClinVar (database versions not stated): gnomAD exomes below 0.00001.

Submission:

Labcorp Genetics (formerly Invitae), Labcorp
Classification: Pathogenic for Leber congenital amaurosis 8; Retinitis pigmentosa 12. Last evaluated: 2022-04-22. Review status: criteria provided, single submitter. Criteria: Invitae Variant Classification Sherloc (09022015). Collection method: clinical testing. Allele origin: germline.
Comment: For these reasons, this variant has been classified as Pathogenic. This variant has not been reported in the literature in individuals affected with CRB1-related conditions. This variant is not present in population databases (gnomAD no frequency). This sequence change creates a premature translational stop signal (p.Leu1039Profs*4) in the CRB1 gene. It is expected to result in an absent or disrupted protein product. Loss-of-function variants in CRB1 are known to be pathogenic (PMID: 10508521, 22065545, 23379534, 25412400, 26957898, 28041643, 29391521).

Literature cited by the submitters: PubMed 10508521; PubMed 22065545; PubMed 23379534; PubMed 25412400; PubMed 26957898; PubMed 28041643; PubMed 29391521.